The following is an entry in ClinVar:

ClinVar aggregate classification (germline): Uncertain significance (1 of 4 stars; one submission).

Conditions:
Hereditary cancer-predisposing syndrome. Also called: Tumor predisposition; Hereditary Cancer Syndrome; Hereditary neoplastic syndrome; Neoplastic Syndromes, Hereditary. Identifiers: Orphanet 140162, MedGen C0027672, MeSH D009386, MONDO:0015356.

Submission:

Ambry Genetics
Classification: Uncertain significance for Hereditary cancer-predisposing syndrome. Last evaluated: 2024-04-30. Review status: criteria provided, single submitter. Criteria: Ambry Variant Classification Scheme 2023. Collection method: clinical testing. Allele origin: germline.
Comment: The p.S2581N variant (also known as c.7742G>A), located in coding exon 15 of the APC gene, results from a G to A substitution at nucleotide position 7742. The serine at codon 2581 is replaced by asparagine, an amino acid with highly similar properties. This amino acid position is conserved. In addition, in silico predictors for this gene do not accurately predict pathogenicity. Based on the available evidence, the clinical significance of this variant remains unclear.

NM_000038.6(APC):c.7742G>A (p.Ser2581Asn)

Gene: APC (APC regulator of Wnt signaling pathway; plus strand). Cytogenetic location: 5q22.2.
Variant type: single nucleotide variant.
Coding change: c.7742G>A on transcript NM_000038.6 (MANE Select); coding-DNA position 7742, G replaced by A.
Protein change: p.Ser2581Asn; replaces serine 2581 with asparagine.
Molecular consequence: missense variant. On other transcripts: non-coding transcript variant (2).
Genome position (GRCh38, 1-based): chr5:112,843,336, G>A. VCF-style: chr5-112843336-G-A. GRCh37 (hg19) VCF-style: chr5-112179033-G-A.
Other names: c.7772G>A, p.Ser2591Asn (NM_001354897.2); c.7667G>A, p.Ser2556Asn (NM_001354898.2); c.7658G>A, p.Ser2553Asn (NM_001354899.2); c.7619G>A, p.Ser2540Asn (NM_001354900.2); c.7565G>A, p.Ser2522Asn (NM_001354901.2, NM_001407453.1); c.7469G>A, p.Ser2490Asn (NM_001354902.2); c.7439G>A, p.Ser2480Asn (NM_001354903.2, NM_001407458.1, NM_001407459.1 and 1 more transcripts); c.7364G>A, p.Ser2455Asn (NM_001354904.2); and 11 more; short protein forms S2452N, S2480N, S2522N, S2563N, S2298N, S2421N, S2455N, S2490N.
Identifiers: ClinVar variation 3302643 (VCV003302643.1).
Genomic context (GRCh38, chr5:112,843,336, plus strand): 5'-TAAGCACTTGGAGAAGAACTGGAAGTTCATCTTCAATTCTTTCTGCTTCATCAGAATCCA[G>A]TGAAAAAGCAAAAAGTGAGGATGAAAAACATGTGAACTCTATTTCAGGAACCAAACAAAG-3'
Protein context (NP_000029.2, residues 2571-2591): SSILSASSES[Ser2581Asn]EKAKSEDEKH